The following is an entry in ClinVar:

NM_000548.5(TSC2):c.3398-16C>T

Gene: TSC2 (TSC complex subunit 2; plus strand). Cytogenetic location: 16p13.3.
Variant type: single nucleotide variant.
Coding change: c.3398-16C>T on transcript NM_000548.5 (MANE Select); 16 bases into the intron before coding-DNA position 3398, C replaced by T.
Molecular consequence: intron variant.
Genome position (GRCh38, 1-based): chr16:2,080,149, C>T. VCF-style: chr16-2080149-C-T. GRCh37 (hg19) VCF-style: chr16-2130150-C-T.
Other names: c.3398-16C>T (NM_001114382.3); c.3269-16C>T (NM_021055.3, NM_001370405.1, NM_001363528.2); c.3266-16C>T (NM_001370404.1, NM_001077183.3); c.3158-16C>T (NM_001318827.2); c.2666-16C>T (NM_001318831.2); c.3122-16C>T (NM_001318829.2); c.3299-16C>T (NM_001318832.2).
Identifiers: ClinVar variation 2082153 (VCV002082153.5), dbSNP rs1231192960, ClinGen allele CA620704889.
Genomic context (GRCh38, chr16:2,080,149, plus strand): 5'-GGGGAGCATTCAGCTTGAGGCTGGTGGTTTTGCATCAGGTAAGTGGTGGTCACCAGTCCT[C>T]TGCCCTCTTCTTCAGGGGGCCATGGTCTTCGAGTTGGCGCCCTGGACGTGCCGGCCTCCC-3'

ClinVar aggregate classification (germline): Likely benign. Review status: criteria provided, multiple submitters, no conflicts (2 of 4 stars). 2 submissions from 2 submitters: Likely benign (2). Last evaluated 2025-11-15.

Conditions:
Tuberous sclerosis 2 (TSC2). Identifiers: Orphanet 805, MedGen C1860707, MONDO:0013199, OMIM 613254.

Allele frequency attached by ClinVar (database versions not stated): TOPMed below 0.00001; gnomAD exomes 0.00001.
gnomAD v4.1: 9 of 1,612,822 alleles (0.00056%); highest among the groups gnomAD compares: Non-Finnish European, 0.00076%; no homozygotes.

Submissions (2):

Labcorp Genetics (formerly Invitae), Labcorp
Classification: Likely benign for Tuberous sclerosis 2. Last evaluated: 2025-11-15. Review status: criteria provided, single submitter. Criteria: Invitae Variant Classification Sherloc (09022015). Collection method: clinical testing. Allele origin: germline.

Myriad Genetics, Inc.
Classification: Likely benign for Tuberous sclerosis 2. Last evaluated: 2025-05-29. Review status: criteria provided, single submitter. Criteria: Myriad Autosomal Dominant, Autosomal Recessive and X-Linked Classification Criteria (2023). Collection method: clinical testing. Allele origin: unknown.
Comment: This variant is considered likely benign. This variant is intronic and is not expected to impact mRNA splicing.